The following is an entry in ClinVar:

ClinVar aggregate classification (germline): Likely benign (1 of 4 stars; one submission).

Submission:

CeGaT Center for Human Genetics Tuebingen
Classification: Likely benign. Last evaluated: 2024-08-01. Review status: criteria provided, single submitter. Criteria: CeGaT Center For Human Genetics Tuebingen Variant Classification Criteria Version 2. Collection method: clinical testing. Allele origin: germline. Affected: yes. Observed: 1 variant allele.
Comment: IVL: BP4, BP7

NM_005547.4(IVL):c.738T>A (p.Ser246=)

Gene: IVL (involucrin; plus strand). Cytogenetic location: 1q21.3.
Variant type: single nucleotide variant.
Coding change: c.738T>A on transcript NM_005547.4 (MANE Select); coding-DNA position 738, T replaced by A.
Protein change: p.Ser246=; no amino-acid change (serine 246 retained).
Molecular consequence: synonymous variant.
Genome position (GRCh38, 1-based): chr1:152,910,535, T>A. VCF-style: chr1-152910535-T-A. GRCh37 (hg19) VCF-style: chr1-152883011-T-A.
Identifiers: ClinVar variation 3341571 (VCV003341571.16).
Genomic context (GRCh38, chr1:152,910,535, plus strand): 5'-AGAGCAGCAGGAGGGGCAGCTGGAGCTCCCACAGCAGCAGGAGGGGCAGCTGGAGCTCTC[T>A]GAGCAGCAGGAGGGGCAGCTGGAGCTCTCTGAGCAGCAGGAGGGACAGCTGAAGCACCTG-3'
Protein context (NP_005538.2, residues 236-256): PQQQEGQLEL[Ser246=]EQQEGQLELS